The following is an entry in ClinVar:

NM_001099271.2(POC5):c.1052T>G (p.Met351Arg)

Gene: POC5 (POC5 centriolar protein; minus strand). Cytogenetic location: 5q13.3.
Variant type: single nucleotide variant.
Coding change: c.1052T>G on transcript NM_001099271.2 (MANE Select); coding-DNA position 1052, T replaced by G.
Protein change: p.Met351Arg; replaces methionine 351 with arginine.
Molecular consequence: missense variant.
Genome position (GRCh38, 1-based): chr5:75,689,089, A>C on the plus strand (T>G on the coding strand, the complement: POC5 is on the minus strand). VCF-style: chr5-75689089-A-C. GRCh37 (hg19) VCF-style: chr5-74984914-A-C.
Other names: c.977T>G, p.Met326Arg (NM_152408.3); short protein forms M326R, M351R.
Identifiers: ClinVar variation 1934454 (VCV001934454.5), dbSNP rs559852882, ClinGen allele CA3310414.

ClinVar aggregate classification (germline): Uncertain significance (1 of 4 stars; one submission).

Allele frequency attached by ClinVar (database versions not stated): TOPMed below 0.00001; ExAC 0.00001; 1000 Genomes Project 30x 0.00016; 1000 Genomes Project 0.00020.
gnomAD v4.1: 2 of 1,600,754 alleles (0.00012%); highest among the groups gnomAD compares: African/African-American, 0.0027%; no homozygotes.

Submission:

Labcorp Genetics (formerly Invitae), Labcorp
Classification: Uncertain significance. Last evaluated: 2023-08-17. Review status: criteria provided, single submitter. Criteria: Invitae Variant Classification Sherloc (09022015). Collection method: clinical testing. Allele origin: germline.
Comment: This variant is present in population databases (rs559852882, gnomAD 0.007%). In summary, the available evidence is currently insufficient to determine the role of this variant in disease. Therefore, it has been classified as a Variant of Uncertain Significance. An algorithm developed to predict the effect of missense changes on protein structure and function (PolyPhen-2) suggests that this variant is likely to be disruptive. ClinVar contains an entry for this variant (Variation ID: 1934454). This variant has not been reported in the literature in individuals affected with POC5-related conditions. This sequence change replaces methionine, which is neutral and non-polar, with arginine, which is basic and polar, at codon 351 of the POC5 protein (p.Met351Arg).